The following is an entry in ClinVar:

NM_001161352.2(KCNMA1):c.2066G>A (p.Arg689Lys)

Gene: KCNMA1 (potassium calcium-activated channel subfamily M alpha 1; minus strand). Cytogenetic location: 10q22.3.
Variant type: single nucleotide variant.
Coding change: c.2066G>A on transcript NM_001161352.2 (MANE Select); coding-DNA position 2066, G replaced by A.
Protein change: p.Arg689Lys; replaces arginine 689 with lysine.
Molecular consequence: missense variant.
Genome position (GRCh38, 1-based): chr10:77,011,993, C>T on the plus strand (G>A on the coding strand, the complement: KCNMA1 is on the minus strand). VCF-style: chr10-77011993-C-T. GRCh37 (hg19) VCF-style: chr10-78771751-C-T.
Other names: c.2078G>A, p.Arg693Lys (NM_001014797.3, NM_001322830.2, NM_001322835.2 and 1 more transcripts); c.2066G>A, p.Arg689Lys (NM_001161353.2, NM_001271519.2, NM_001322829.2 and 4 more transcripts); c.1916G>A, p.Arg639Lys (NM_001271518.2); c.1526G>A, p.Arg509Lys (NM_001322838.2); short protein forms R509K, R639K, R693K, R689K.
Identifiers: ClinVar variation 3677005 (VCV003677005.2).

ClinVar aggregate classification (germline): Uncertain significance (1 of 4 stars; one submission).

Conditions:
Generalized epilepsy-paroxysmal dyskinesia syndrome (PNKD3). Also called: Paroxysmal nonkinesigenic dyskinesia, 3, with or without generalized epilepsy; Generalized epilepsy and paroxysmal dyskinesia. Identifiers: Orphanet 79137, MedGen C5574945, MONDO:0012276, OMIM 609446.

gnomAD v4.1: 2 of 1,613,790 alleles (0.00012%); highest among the groups gnomAD compares: Non-Finnish European, 0.00017%; no homozygotes.

Submission:

Labcorp Genetics (formerly Invitae), Labcorp
Classification: Uncertain significance for Generalized epilepsy-paroxysmal dyskinesia syndrome. Last evaluated: 2024-10-15. Review status: criteria provided, single submitter. Criteria: Invitae Variant Classification Sherloc (09022015). Collection method: clinical testing. Allele origin: germline.
Comment: This sequence change replaces arginine, which is basic and polar, with lysine, which is basic and polar, at codon 689 of the KCNMA1 protein (p.Arg689Lys). This variant is present in population databases (rs776535249, gnomAD 0.0009%). This variant has not been reported in the literature in individuals affected with KCNMA1-related conditions. Invitae Evidence Modeling of protein sequence and biophysical properties (such as structural, functional, and spatial information, amino acid conservation, physicochemical variation, residue mobility, and thermodynamic stability) indicates that this missense variant is not expected to disrupt KCNMA1 protein function with a negative predictive value of 80%. In summary, the available evidence is currently insufficient to determine the role of this variant in disease. Therefore, it has been classified as a Variant of Uncertain Significance.